The following is an entry in ClinVar:

ClinVar aggregate classification (germline): Uncertain significance (1 of 4 stars; one submission).

Allele frequency attached by ClinVar (database versions not stated): ESP Exome Variant Server 0.00008; gnomAD exomes 0.00002 and 0.00004; gnomAD 0.00003; TOPMed 0.00005; ExAC 0.00006.
gnomAD v4.1: 32 of 1,610,080 alleles (0.002%); highest among the groups gnomAD compares: Non-Finnish European, 0.0025%; no homozygotes.

Submission:

Labcorp Genetics (formerly Invitae), Labcorp
Classification: Uncertain significance. Last evaluated: 2017-07-14. Review status: criteria provided, single submitter. Criteria: Invitae Variant Classification Sherloc (09022015). Collection method: clinical testing. Allele origin: germline.
Comment: In summary, the available evidence is currently insufficient to determine the role of this variant in disease. Therefore, it has been classified as a Variant of Uncertain Significance. Algorithms developed to predict the effect of missense changes on protein structure and function output the following: SIFT: "Tolerated"; PolyPhen-2: "Benign"; Align-GVGD: "Class C0". The serine amino acid residue is found in multiple mammalian species, suggesting that this missense change does not adversely affect protein function. These predictions have not been confirmed by published functional studies and their clinical significance is uncertain. This variant has not been reported in the literature in individuals with SETD5-related disease. This variant is present in population databases (rs375673884, ExAC 0.01%). This sequence change replaces threonine with serine at codon 803 of the SETD5 protein (p.Thr803Ser). The threonine residue is weakly conserved and there is a small physicochemical difference between threonine and serine.

NM_001080517.3(SETD5):c.2407A>T (p.Thr803Ser)

Gene: SETD5 (SET domain containing 5; plus strand). Cytogenetic location: 3p25.3.
Variant type: single nucleotide variant.
Coding change: c.2407A>T on transcript NM_001080517.3 (MANE Select); coding-DNA position 2407, A replaced by T.
Protein change: p.Thr803Ser; replaces threonine 803 with serine.
Molecular consequence: missense variant.
Genome position (GRCh38, 1-based): chr3:9,453,799, A>T. VCF-style: chr3-9453799-A-T. GRCh37 (hg19) VCF-style: chr3-9495483-A-T.
Other names: c.2113A>T, p.Thr705Ser (NM_001292043.2, NM_001349451.2); short protein forms T705S, T803S.
Identifiers: ClinVar variation 1043769 (VCV001043769.5), dbSNP rs375673884, ClinGen allele CA2239441.
Genomic context (GRCh38, chr3:9,453,799, plus strand): 5'-CGCTGGATAAAACAAGCCTTAGAAGAAGGGATGACTCAAACATCATCTGTACCCCAAGAG[A>T]CTAGAACTCAGCACCTATACCAAAGCAATGAGAATAGTAGCTCTTCTAGTATCTGCAAAG-3'
Protein context (NP_001073986.1, residues 793-813): MTQTSSVPQE[Thr803Ser]RTQHLYQSNE